The following is an entry in ClinVar:

NM_030777.4(SLC2A10):c.765C>T (p.Ser255=)

Gene: SLC2A10 (solute carrier family 2 member 10; plus strand). Cytogenetic location: 20q13.12.
Variant type: single nucleotide variant.
Coding change: c.765C>T on transcript NM_030777.4 (MANE Select); coding-DNA position 765, C replaced by T.
Protein change: p.Ser255=; no amino-acid change (serine 255 retained).
Molecular consequence: synonymous variant.
Genome position (GRCh38, 1-based): chr20:46,725,801, C>T. VCF-style: chr20-46725801-C-T. GRCh37 (hg19) VCF-style: chr20-45354440-C-T.
Other names: p.S255S:TCC>TCT.
Identifiers: ClinVar variation 213717 (VCV000213717.59), dbSNP rs142106322, ClinGen allele CA320695.
Genomic context (GRCh38, chr20:46,725,801, plus strand): 5'-CCTGGGGCTGGTGCTCTTCCAGCAACTAACAGGGCAGCCCAACGTGCTGTGCTATGCCTC[C>T]ACCATCTTCAGCTCCGTTGGTTTCCATGGGGGATCCTCAGCCGTGCTGGCCTCTGTGGGG-3'
Protein context (NP_110404.1, residues 245-265): TGQPNVLCYA[Ser255=]TIFSSVGFHG

ClinVar aggregate classification (germline): Conflicting classifications of pathogenicity. Review status: criteria provided, conflicting classifications (1 of 4 stars). 14 submissions from 14 submitters: Uncertain significance (1); Benign (2); Likely benign (7). 4 of the submissions do not count toward it. Last evaluated 2026-01-26.

Conditions:
Familial thoracic aortic aneurysm and aortic dissection (TAAD). Also called: Thoracic aortic aneurysms and dissections. Identifiers: Orphanet 91387, MedGen C4707243, MONDO:0019625.
Arterial tortuosity syndrome (ATORS). Identifiers: Orphanet 3342, MedGen C1859726, MONDO:0008818, OMIM 208050.

Allele frequency attached by ClinVar (database versions not stated): ExAC 0.00053; gnomAD exomes 0.00057 and 0.00073; 1000 Genomes Project 0.00060; gnomAD 0.00060 and 0.00065; 1000 Genomes Project 30x 0.00062; TOPMed 0.00068; ESP Exome Variant Server 0.00092.
gnomAD v4.1: 1,157 of 1,614,238 alleles (0.072%); highest among the groups gnomAD compares: Admixed American, 0.15%; 2 homozygotes.

Submissions (14):

Labcorp Genetics (formerly Invitae), Labcorp
Classification: Likely benign for Arterial tortuosity syndrome. Last evaluated: 2026-01-26. Review status: criteria provided, single submitter. Criteria: Invitae Variant Classification Sherloc (09022015). Collection method: clinical testing. Allele origin: germline.

CeGaT Center for Human Genetics Tuebingen
Classification: Likely benign. Last evaluated: 2025-09-01. Review status: criteria provided, single submitter. Criteria: CeGaT Center For Human Genetics Tuebingen Variant Classification Criteria Version 2. Collection method: clinical testing. Allele origin: germline. Affected: yes. Observed: 3 variant alleles.
Comment: SLC2A10: BP4, BP7

Blueprint Genetics
Classification: Likely benign. Last evaluated: 2024-10-30. Review status: criteria provided, single submitter. Criteria: ACMG Guidelines, 2015. Collection method: clinical testing. Allele origin: germline.

Women's Health and Genetics/Laboratory Corporation of America, LabCorp
Classification: Likely benign. Last evaluated: 2023-09-25. Review status: criteria provided, single submitter. Criteria: LabCorp Variant Classification Summary - May 2015. Collection method: clinical testing. Allele origin: germline.

ARUP Laboratories, Molecular Genetics and Genomics, ARUP Laboratories
Classification: Likely benign for Arterial tortuosity syndrome. Last evaluated: 2020-07-04. Review status: criteria provided, single submitter. Criteria: ARUP Molecular Germline Variant Investigation Process. Collection method: clinical testing. Allele origin: germline.

CHEO Genetics Diagnostic Laboratory, Children's Hospital of Eastern Ontario
Classification: Benign for Familial thoracic aortic aneurysm and aortic dissection. Last evaluated: 2018-06-12. Review status: criteria provided, single submitter. Criteria: ACMG Guidelines, 2015. Collection method: clinical testing. Allele origin: germline.

Illumina Laboratory Services, Illumina
Classification: Uncertain significance for Arterial tortuosity syndrome. Last evaluated: 2018-01-13. Review status: criteria provided, single submitter. Criteria: ICSL Variant Classification Criteria 13 December 2019. Collection method: clinical testing. Allele origin: germline.

Ambry Genetics
Classification: Likely benign for Familial thoracic aortic aneurysm and aortic dissection. Last evaluated: 2015-02-13. Review status: criteria provided, single submitter. Criteria: Ambry Variant Classification Scheme 2023. Collection method: clinical testing. Allele origin: germline.

GeneDx
Classification: Benign. Last evaluated: 2014-08-14. Review status: criteria provided, single submitter. Criteria: GeneDx Variant Classification (06012015). Collection method: clinical testing. Allele origin: germline. Affected: yes.
Comment: This variant is considered likely benign or benign based on one or more of the following criteria: it is a conservative change, it occurs at a poorly conserved position in the protein, it is predicted to be benign by multiple in silico algorithms, and/or has population frequency not consistent with disease.

PreventionGenetics, part of Exact Sciences
Classification: Likely benign. Review status: criteria provided, single submitter. Criteria: ACMG Guidelines, 2015. Collection method: clinical testing. Allele origin: germline.

Clinical Genetics DNA and cytogenetics Diagnostics Lab, Erasmus MC, Erasmus Medical Center
Classification: Likely benign. Review status: no assertion criteria provided. Collection method: clinical testing. Allele origin: germline. Affected: yes. Study: VKGL Data-share Consensus. Not counted in ClinVar's aggregate classification.

Genome Diagnostics Laboratory, Amsterdam University Medical Center
Classification: Likely benign. Review status: no assertion criteria provided. Collection method: clinical testing. Allele origin: germline. Affected: yes. Study: VKGL Data-share Consensus. Not counted in ClinVar's aggregate classification.

Genome Diagnostics Laboratory, University Medical Center Utrecht
Classification: Benign. Review status: no assertion criteria provided. Collection method: clinical testing. Allele origin: germline. Affected: yes. Study: VKGL Data-share Consensus. Not counted in ClinVar's aggregate classification.

Joint Genome Diagnostic Labs from Nijmegen and Maastricht, Radboudumc and MUMC+
Classification: Benign. Review status: no assertion criteria provided. Collection method: clinical testing. Allele origin: germline. Affected: yes. Study: VKGL Data-share Consensus. Not counted in ClinVar's aggregate classification.